The following is an entry in ClinVar:

ClinVar aggregate classification (germline): Uncertain significance (1 of 4 stars; one submission).

Allele frequency attached by ClinVar (database versions not stated): gnomAD 0.00001; gnomAD exomes below 0.00001; 1000 Genomes Project 30x 0.00016.
gnomAD v4.1: 2 of 1,613,812 alleles (0.00012%); highest among the groups gnomAD compares: South Asian, 0.0011%; no homozygotes.

Submission:

Labcorp Genetics (formerly Invitae), Labcorp
Classification: Uncertain significance. Last evaluated: 2025-11-23. Review status: criteria provided, single submitter. Criteria: Invitae Variant Classification Sherloc (09022015). Collection method: clinical testing. Allele origin: germline.
Comment: This sequence change replaces asparagine, which is neutral and polar, with serine, which is neutral and polar, at codon 206 of the KIF11 protein (p.Asn206Ser). This variant is not present in population databases (gnomAD no frequency). This variant has not been reported in the literature in individuals affected with KIF11-related conditions. ClinVar contains an entry for this variant (Variation ID: 1502812). Invitae Evidence Modeling of protein sequence and biophysical properties (such as structural, functional, and spatial information, amino acid conservation, physicochemical variation, residue mobility, and thermodynamic stability) indicates that this missense variant is not expected to disrupt KIF11 protein function with a negative predictive value of 95%. In summary, the available evidence is currently insufficient to determine the role of this variant in disease. Therefore, it has been classified as a Variant of Uncertain Significance.

NM_004523.4(KIF11):c.617A>G (p.Asn206Ser)

Gene: KIF11 (kinesin family member 11; plus strand). Cytogenetic location: 10q23.33.
Variant type: single nucleotide variant.
Coding change: c.617A>G on transcript NM_004523.4 (MANE Select); coding-DNA position 617, A replaced by G.
Protein change: p.Asn206Ser; replaces asparagine 206 with serine.
Molecular consequence: missense variant.
Genome position (GRCh38, 1-based): chr10:92,609,428, A>G. VCF-style: chr10-92609428-A-G. GRCh37 (hg19) VCF-style: chr10-94369185-A-G.
Other names: short protein forms N206S.
Identifiers: ClinVar variation 1502812 (VCV001502812.6), dbSNP rs2135902906, ClinGen allele CA377589755.